The following is an entry in ClinVar:

NM_003743.5(NCOA1):c.2384C>T (p.Thr795Ile)

Gene: NCOA1 (nuclear receptor coactivator 1; plus strand). Cytogenetic location: 2p23.3.
Variant type: single nucleotide variant.
Coding change: c.2384C>T on transcript NM_003743.5 (MANE Select); coding-DNA position 2384, C replaced by T.
Protein change: p.Thr795Ile; replaces threonine 795 with isoleucine.
Molecular consequence: missense variant.
Genome position (GRCh38, 1-based): chr2:24,707,854, C>T. VCF-style: chr2-24707854-C-T. GRCh37 (hg19) VCF-style: chr2-24930723-C-T.
Other names: c.2384C>T, p.Thr795Ile (NM_001362950.1, NM_001362952.1, NM_001362954.1 and 3 more transcripts); short protein forms T795I.
Identifiers: ClinVar variation 2522912 (VCV002522912.6), dbSNP rs753321862, ClinGen allele CA1552387.

ClinVar aggregate classification (germline): Uncertain significance. Review status: criteria provided, multiple submitters, no conflicts (2 of 4 stars). 2 submissions from 2 submitters: Uncertain significance (2). Last evaluated 2026-07-01.

Conditions:
NCOA1-related disorder. Also called: NCOA1-related condition.

Allele frequency attached by ClinVar (database versions not stated): gnomAD 0.00003; TOPMed 0.00003; gnomAD exomes 0.00004; ExAC 0.00005.
gnomAD v4.1: 68 of 1,600,660 alleles (0.0042%); highest among the groups gnomAD compares: Admixed American, 0.0088%; no homozygotes.

Submissions (2):

PreventionGenetics, part of Exact Sciences
Classification: Uncertain significance for NCOA1-related condition. Last evaluated: 2026-07-01. Review status: criteria provided, single submitter. Criteria: ACMG Guidelines, 2015. Collection method: clinical testing. Allele origin: germline.
Comment: The NCOA1 c.2384C>T variant is predicted to result in the amino acid substitution p.Thr795Ile. To our knowledge, this variant has not been reported in the literature. This variant is reported in 0.0061% of alleles in individuals of Latino descent in gnomAD. At this time, the clinical significance of this variant is uncertain due to the absence of conclusive functional and genetic evidence.

Ambry Genetics
Classification: Uncertain significance. Last evaluated: 2025-09-01. Review status: criteria provided, single submitter. Criteria: Ambry Variant Classification Scheme 2023. Collection method: clinical testing. Allele origin: germline.